The following is an entry in ClinVar:

NM_007294.4(BRCA1):c.2599C>T (p.Gln867Ter)

Gene: BRCA1 (BRCA1 DNA repair associated; minus strand). Cytogenetic location: 17q21.31.
Variant type: single nucleotide variant.
Coding change: c.2599C>T on transcript NM_007294.4 (MANE Select); coding-DNA position 2599, C replaced by T.
Protein change: p.Gln867Ter; replaces glutamine 867 with a stop codon.
Molecular consequence: nonsense. On other transcripts: intron variant (137).
Genome position (GRCh38, 1-based): chr17:43,092,932, G>A on the plus strand (C>T on the coding strand, the complement: BRCA1 is on the minus strand). VCF-style: chr17-43092932-G-A. GRCh37 (hg19) VCF-style: chr17-41244949-G-A.
Other names: NP_009225.1:p.Gln867Ter; c.2386C>T, p.Gln796Ter (NM_001407571.1, NM_001407853.1, NM_001407894.1 and 9 more transcripts); c.2599C>T, p.Gln867Ter (NM_001407581.1, NM_001407582.1, NM_001407583.1 and 30 more transcripts); c.2596C>T, p.Gln866Ter (NM_001407587.1, NM_001407590.1, NM_001407591.1 and 22 more transcripts); c.2590C>T, p.Gln864Ter (NM_001407646.1, NM_001407647.1); c.2476C>T, p.Gln826Ter (NM_001407648.1, NM_001407664.1, NM_001407665.1 and 19 more transcripts); c.2473C>T, p.Gln825Ter (NM_001407649.1, NM_001407670.1, NM_001407685.1 and 11 more transcripts); c.2518C>T, p.Gln840Ter (NM_001407662.1, NM_001407659.1, NM_001407660.1 and 1 more transcripts); and 42 more; short protein forms Q867*, Q820*, Q699*, Q739*, Q796*, Q864*, Q866*, Q755*.
Identifiers: ClinVar variation 254414 (VCV000254414.46), dbSNP rs886038001, ClinGen allele CA10586643.

ClinVar aggregate classification (germline): Pathogenic. Review status: reviewed by expert panel (3 of 4 stars). 10 submissions from 10 submitters: Pathogenic (1). 9 of the submissions do not count toward it. Last evaluated 2016-09-08.

Conditions:
BRCA1-related disorder. Also called: BRCA1-related condition.
Hereditary cancer-predisposing syndrome. Also called: Hereditary Cancer Syndrome; Neoplastic Syndromes, Hereditary; Hereditary neoplastic syndrome; Tumor predisposition. Identifiers: Orphanet 140162, MedGen C0027672, MeSH D009386, MONDO:0015356.
Familial cancer of breast. Also called: BREAST CANCER, FAMILIAL; hereditary breast carcinoma; Hereditary breast cancer. Identifiers: Orphanet 227535, MedGen C0346153, MONDO:0016419, OMIM 114480. Disease mechanism: loss of function.
Breast-ovarian cancer, familial, susceptibility to, 1 (BROVCA1). Also called: BRCA1 Hereditary Breast and Ovarian Cancer; OVARIAN CANCER, SUSCEPTIBILITY TO. Identifiers: Orphanet 145, MedGen C2676676, MONDO:0011450, OMIM 604370. Disease mechanism: loss of function.
Fanconi anemia, complementation group S (FANCS). Identifiers: MedGen C4554406, MONDO:0054748, OMIM 617883.
Pancreatic cancer, susceptibility to, 4. Identifiers: Orphanet 1333, MedGen C3280442, MONDO:0013685, OMIM 614320.
Hereditary breast ovarian cancer syndrome. Also called: Hereditary breast and ovarian cancer syndrome (HBOC); Breast and ovarian cancer; Hereditary breast and ovarian cancer syndrome; Hereditary breast and ovarian cancer; BRCA1- and BRCA2-Associated Hereditary Breast and Ovarian Cancer; Hereditary breast and/or ovarian cancer syndrome. Identifiers: Orphanet 145, MedGen C0677776, MeSH D061325, MONDO:0003582. Disease mechanism: loss of function.

Submissions (10):

Evidence-based Network for the Interpretation of Germline Mutant Alleles (ENIGMA)
Classification: Pathogenic for Breast-ovarian cancer, familial, susceptibility to, 1. Last evaluated: 2016-09-08. Review status: reviewed by expert panel. Criteria: ENIGMA BRCA1/2 Classification Criteria (2015). Collection method: curation. Allele origin: germline.
Comment: Variant allele predicted to encode a truncated non-functional protein.

Ambry Genetics
Classification: Pathogenic for Hereditary cancer-predisposing syndrome. Last evaluated: 2025-08-20. Review status: criteria provided, single submitter. Criteria: Ambry Variant Classification Scheme 2023. Collection method: clinical testing. Allele origin: germline. Not counted in ClinVar's aggregate classification.
Comment: The p.Q867* pathogenic mutation (also known as c.2599C>T), located in coding exon 9 of the BRCA1 gene, results from a C to T substitution at nucleotide position 2599. This changes the amino acid from a glutamine to a stop codon within coding exon 9. This variant is considered to be rare based on population cohorts in the Genome Aggregation Database (gnomAD). This alteration is expected to result in loss of function by premature protein truncation or nonsense-mediated mRNA decay. As such, this alteration is interpreted as a disease-causing mutation.

Fulgent Genetics
Classification: Pathogenic for Breast-ovarian cancer, familial, susceptibility to, 1; Pancreatic cancer, susceptibility to, 4; Fanconi anemia, complementation group S. Last evaluated: 2024-02-26. Review status: criteria provided, single submitter. Criteria: ACMG Guidelines, 2015. Collection method: clinical testing. Allele origin: germline. Not counted in ClinVar's aggregate classification.

National Health Laboratory Service, Universitas Academic Hospital and University of the Free State
Classification: Pathogenic for Hereditary breast ovarian cancer syndrome. Last evaluated: 2021-11-16. Review status: criteria provided, single submitter. Criteria: ACMG Guidelines, 2015. Collection method: clinical testing. Allele origin: germline. Affected: yes. Observed: 1 variant allele. Not counted in ClinVar's aggregate classification.

Blueprint Genetics
Classification: Pathogenic for BRCA1-related disorders. Last evaluated: 2021-09-08. Review status: criteria provided, single submitter. Criteria: ACMG Guidelines, 2015. Collection method: clinical testing. Allele origin: germline. Affected: yes. Observed: 1 variant allele. Not counted in ClinVar's aggregate classification.

Labcorp Genetics (formerly Invitae), Labcorp
Classification: Pathogenic for Hereditary breast ovarian cancer syndrome. Last evaluated: 2021-03-23. Review status: criteria provided, single submitter. Criteria: Invitae Variant Classification Sherloc (09022015). Collection method: clinical testing. Allele origin: germline. Not counted in ClinVar's aggregate classification.
Comment: For these reasons, this variant has been classified as Pathogenic. Loss-of-function variants in BRCA1 are known to be pathogenic (PMID: 20104584). This variant has been reported in an individual with breast cancer in the Leiden Open-source Variation Database (PMID: 21520333). ClinVar contains an entry for this variant (Variation ID: 254414). This variant is not present in population databases (ExAC no frequency). This sequence change creates a premature translational stop signal (p.Gln867*) in the BRCA1 gene. It is expected to result in an absent or disrupted protein product.

GeneKor MSA
Classification: Pathogenic. Last evaluated: 2020-01-01. Review status: criteria provided, single submitter. Criteria: ACMG Guidelines, 2015. Collection method: clinical testing. Allele origin: germline. Not counted in ClinVar's aggregate classification.
Comment: This variant is a single amino acid change from Glutamine to a Termination codon at amino acid residue 867 of the BRCA1 gene. It results in a truncated non-functional protein. Truncating variants in the BRCA1 gene are known to be pathogenic. The mutation database ClinVar contains entries for this variant (Variation ID: 254414).

Consortium of Investigators of Modifiers of BRCA1/2 (CIMBA), c/o University of Cambridge
Classification: Pathogenic for Breast-ovarian cancer, familial, susceptibility to, 1. Last evaluated: 2015-10-02. Review status: criteria provided, single submitter. Criteria: CIMBA Mutation Classification guidelines May 2016. Collection method: clinical testing. Allele origin: germline. Not counted in ClinVar's aggregate classification.

BRCAlab, Lund University
Classification: Pathogenic for Breast-ovarian cancer, familial, susceptibility to, 1. Last evaluated: 2020-03-02. Review status: no assertion criteria provided. Collection method: clinical testing. Allele origin: germline. Affected: yes. Not counted in ClinVar's aggregate classification.

Research and Experiment Center, Meizhou People's Hospital
Classification: Pathogenic for Familial cancer of breast. Review status: no assertion criteria provided. Collection method: clinical testing. Allele origin: germline. Affected: yes. Not counted in ClinVar's aggregate classification.

Literature cited by the submitters: DOI 10.3389/fgene.2022.834265 (cited by National Health Laboratory Service, Universitas Academic Hospital and University of the Free State); PubMed 20104584 (cited by Labcorp Genetics (formerly Invitae), Labcorp and Research and Experiment Center, Meizhou People's Hospital); PubMed 21520333 (cited by Labcorp Genetics (formerly Invitae), Labcorp and Research and Experiment Center, Meizhou People's Hospital).